The following is an entry in ClinVar:

NM_022436.3(ABCG5):c.757C>T (p.Arg253Cys)

Genes: ABCG5 (ATP binding cassette subfamily G member 5; minus strand), DYNC2LI1 (dynein cytoplasmic 2 light intermediate chain 1; plus strand). Cytogenetic location: 2p21.
Variant type: single nucleotide variant.
Coding change: c.757C>T on transcript NM_022436.3 (MANE Select); coding-DNA position 757, C replaced by T.
Protein change: p.Arg253Cys; replaces arginine 253 with cysteine.
Molecular consequence: missense variant. On other transcripts: intron variant (2).
Genome position (GRCh38, 1-based): chr2:43,826,399, G>A on the plus strand (C>T on the coding strand, the complement: ABCG5 is on the minus strand). VCF-style: chr2-43826399-G-A. GRCh37 (hg19) VCF-style: chr2-44053538-G-A.
Other names: c.*16-987G>A (NM_001348913.2, NM_001348912.2); short protein forms R253C.
Identifiers: ClinVar variation 2561770 (VCV002561770.5), dbSNP rs779132190, ClinGen allele CA1636540.

ClinVar aggregate classification (germline): Uncertain significance. Review status: criteria provided, multiple submitters, no conflicts (2 of 4 stars). 2 submissions from 2 submitters: Uncertain significance (2). Last evaluated 2023-08-17.

Conditions:
Sitosterolemia (STSL). Also called: PHYTOSTEROLEMIA. Identifiers: Orphanet 2882, MedGen C0342907, MONDO:0008863.
Cardiovascular phenotype. Identifiers: MedGen CN230736.

Allele frequency attached by ClinVar (database versions not stated): gnomAD exomes 0.00001; gnomAD 0.00003; TOPMed 0.00001; ExAC 0.00001.
gnomAD v4.1: 15 of 1,613,918 alleles (0.00093%); highest among the groups gnomAD compares: South Asian, 0.0055%; no homozygotes.

Submissions (2):

Labcorp Genetics (formerly Invitae), Labcorp
Classification: Uncertain significance for Sitosterolemia. Last evaluated: 2023-08-17. Review status: criteria provided, single submitter. Criteria: Invitae Variant Classification Sherloc (09022015). Collection method: clinical testing. Allele origin: germline.
Comment: This sequence change replaces arginine, which is basic and polar, with cysteine, which is neutral and slightly polar, at codon 253 of the ABCG5 protein (p.Arg253Cys). This variant is present in population databases (rs779132190, gnomAD 0.004%). This missense change has been observed in individual(s) with clinical features of ABCG5-related conditions (PMID: 32041611). ClinVar contains an entry for this variant (Variation ID: 2561770). An algorithm developed to predict the effect of missense changes on protein structure and function (PolyPhen-2) suggests that this variant is likely to be disruptive. In summary, the available evidence is currently insufficient to determine the role of this variant in disease. Therefore, it has been classified as a Variant of Uncertain Significance.

Ambry Genetics
Classification: Uncertain significance for Cardiovascular phenotype. Last evaluated: 2023-04-25. Review status: criteria provided, single submitter. Criteria: Ambry Variant Classification Scheme 2023. Collection method: clinical testing. Allele origin: germline.
Comment: The p.R253C variant (also known as c.757C>T), located in coding exon 6 of the ABCG5 gene, results from a C to T substitution at nucleotide position 757. The arginine at codon 253 is replaced by cysteine, an amino acid with highly dissimilar properties. This variant has been detected in a dyslipidemia cohort; however, details were not provided (Dron JS et al. BMC Med Genomics, 2020 Feb;13:23). This amino acid position is highly conserved in available vertebrate species. In addition, the in silico prediction for this alteration is inconclusive. Since supporting evidence is limited at this time, the clinical significance of this alteration remains unclear.

Literature cited by the submitters: PubMed 32041611 (cited by Labcorp Genetics (formerly Invitae), Labcorp and Ambry Genetics).